The following is an entry in ClinVar:

NM_001103.4(ACTN2):c.1167_1169delinsA (p.Leu390fs)

Gene: ACTN2 (actinin alpha 2; plus strand). Cytogenetic location: 1q43.
Variant type: Indel.
Coding change: c.1167_1169delinsA on transcript NM_001103.4 (MANE Select); coding-DNA positions 1167 to 1169, GCT replaced by A.
Protein change: p.Leu390fs; shifts the reading frame from leucine 390.
Molecular consequence: frameshift variant.
Genome position (GRCh38, 1-based): chr1:236,742,955-236,742,957, GCT replaced by A. VCF-style: chr1-236742955-GCT-A. GRCh37 (hg19) VCF-style: chr1-236906255-GCT-A.
Other names: p.Leu390Glnfs*2; c.1167_1169delinsA, p.Leu390fs (NM_001278343.2); c.543_545delinsA, p.Leu182fs (NM_001278344.2); short protein forms L182fs, L390fs.
Identifiers: ClinVar variation 1343346 (VCV001343346.4), dbSNP rs2102927408, ClinGen allele CA2573051518.

ClinVar aggregate classification (germline): Likely pathogenic (1 of 4 stars; one submission).

Submission:

Mayo Clinic Laboratories, Mayo Clinic
Classification: Likely pathogenic. Last evaluated: 2021-05-20. Review status: criteria provided, single submitter. Criteria: ACMG Guidelines, 2015. Collection method: clinical testing. Allele origin: germline.
Comment: PVS1; PM2